The following is an entry in ClinVar:

NM_000057.4(BLM):c.2165A>G (p.Asp722Gly)

Gene: BLM (BLM RecQ like helicase; plus strand). Cytogenetic location: 15q26.1.
Variant type: single nucleotide variant.
Coding change: c.2165A>G on transcript NM_000057.4 (MANE Select); coding-DNA position 2165, A replaced by G.
Protein change: p.Asp722Gly; replaces aspartic acid 722 with glycine.
Molecular consequence: missense variant.
Genome position (GRCh38, 1-based): chr15:90,765,386, A>G. VCF-style: chr15-90765386-A-G. GRCh37 (hg19) VCF-style: chr15-91308616-A-G.
Other names: c.2165A>G, p.Asp722Gly (NM_001287246.2, NM_001287247.2); c.1040A>G, p.Asp347Gly (NM_001287248.2); short protein forms D347G, D722G.
Identifiers: ClinVar variation 1063830 (VCV001063830.12), dbSNP rs1896096525, ClinGen allele CA393844690.

ClinVar aggregate classification (germline): Uncertain significance. Review status: criteria provided, single submitter (1 of 4 stars). 2 submissions from 2 submitters: Uncertain significance (1). 1 of the submissions does not count toward it. Last evaluated 2020-09-29.

Conditions:
Bloom syndrome (BLM). Also called: Bloom-Torre-Machacek syndrome. Identifiers: Orphanet 125, MedGen C0005859, MONDO:0008876, OMIM 210900.

Allele frequency attached by ClinVar (database versions not stated): gnomAD exomes below 0.00001.
gnomAD v4.1: 3 of 1,611,766 alleles (0.00019%); highest among the groups gnomAD compares: Admixed American, 0.0017%; no homozygotes.

Submissions (2):

Labcorp Genetics (formerly Invitae), Labcorp
Classification: Uncertain significance for Bloom syndrome. Last evaluated: 2020-09-29. Review status: criteria provided, single submitter. Criteria: Invitae Variant Classification Sherloc (09022015). Collection method: clinical testing. Allele origin: germline.
Comment: In summary, the available evidence is currently insufficient to determine the role of this variant in disease. Therefore, it has been classified as a Variant of Uncertain Significance. Algorithms developed to predict the effect of missense changes on protein structure and function are either unavailable or do not agree on the potential impact of this missense change (SIFT: "Deleterious"; PolyPhen-2: "Probably Damaging"; Align-GVGD: "Class C0"). This variant has not been reported in the literature in individuals with BLM-related conditions. This variant is not present in population databases (ExAC no frequency). This sequence change replaces aspartic acid with glycine at codon 722 of the BLM protein (p.Asp722Gly). The aspartic acid residue is highly conserved and there is a moderate physicochemical difference between aspartic acid and glycine.

Natera, Inc.
Classification: Uncertain significance for Bloom syndrome. Last evaluated: 2021-01-12. Review status: no assertion criteria provided. Collection method: clinical testing. Allele origin: germline. Not counted in ClinVar's aggregate classification.